The following is an entry in ClinVar:

NM_015338.6(ASXL1):c.4096A>G (p.Ser1366Gly)

Gene: ASXL1 (ASXL transcriptional regulator 1; plus strand). Cytogenetic location: 20q11.21.
Variant type: single nucleotide variant.
Coding change: c.4096A>G on transcript NM_015338.6 (MANE Select); coding-DNA position 4096, A replaced by G.
Protein change: p.Ser1366Gly; replaces serine 1366 with glycine.
Molecular consequence: missense variant.
Genome position (GRCh38, 1-based): chr20:32,436,808, A>G. VCF-style: chr20-32436808-A-G. GRCh37 (hg19) VCF-style: chr20-31024611-A-G.
Other names: c.3913A>G, p.Ser1305Gly (NM_001363734.1); short protein forms S1366G, S1305G.
Identifiers: ClinVar variation 4158419 (VCV004158419.1).
Genomic context (GRCh38, chr20:32,436,808, plus strand): 5'-TCTGGTGGGGTACAGACTCCAAGGGAAGACTGGGCTCCAAAGCCACATGCCTTTGTTGGC[A>G]GCGTCAAGAATGAGAAGACTTTTGTGGGGGGTCCTCTTAAGGCAAATGCCGAGAACAGGA-3'
Protein context (NP_056153.2, residues 1356-1376): WAPKPHAFVG[Ser1366Gly]VKNEKTFVGG

ClinVar aggregate classification (germline): Uncertain significance (1 of 4 stars; one submission).

Conditions:
Inborn genetic diseases. Identifiers: MedGen C0950123, MeSH D030342.

gnomAD v4.1: 1 of 1,614,226 alleles (0.000062%); highest among the groups gnomAD compares: Non-Finnish European, 0.000085%; no homozygotes.

Submission:

Ambry Genetics
Classification: Uncertain significance for Inborn genetic diseases. Last evaluated: 2025-07-28. Review status: criteria provided, single submitter. Criteria: Ambry Variant Classification Scheme 2023. Collection method: clinical testing. Allele origin: germline.
Comment: The p.S1366G variant (also known as c.4096A>G), located in coding exon 13 of the ASXL1 gene, results from an A to G substitution at nucleotide position 4096. The serine at codon 1366 is replaced by glycine, an amino acid with similar properties. This amino acid position is conserved. In addition, this alteration is predicted to be tolerated by in silico analysis. Based on the available evidence, the clinical significance of this variant remains unclear.